The following is an entry in ClinVar:

NM_000091.5(COL4A3):c.3520T>G (p.Leu1174Val)

Genes: COL4A3 (collagen type IV alpha 3 chain; plus strand), MFF-DT (MFF divergent transcript; minus strand). Cytogenetic location: 2q36.3.
Variant type: single nucleotide variant.
Coding change: c.3520T>G on transcript NM_000091.5 (MANE Select); coding-DNA position 3520, T replaced by G.
Protein change: p.Leu1174Val; replaces leucine 1174 with valine.
Molecular consequence: missense variant.
Genome position (GRCh38, 1-based): chr2:227,295,271, T>G. VCF-style: chr2-227295271-T-G. GRCh37 (hg19) VCF-style: chr2-228159987-T-G.
Other names: short protein forms L1174V.
Identifiers: ClinVar variation 3366275 (VCV003366275.3).

ClinVar aggregate classification (germline): Uncertain significance. Review status: criteria provided, multiple submitters, no conflicts (2 of 4 stars). 3 submissions from 3 submitters: Uncertain significance (3). Last evaluated 2024-06-19.

Conditions:
Autosomal dominant Alport syndrome (ATS3A). Also called: Alport syndrome dominant type; Renal failure and sensorineural hearing loss; ALPORT SYNDROME 3A, AUTOSOMAL DOMINANT. Identifiers: Orphanet 63, Orphanet 88918, MedGen C5882663, MONDO:0007086, OMIM 104200.
Hematuria, benign familial, 2 (BFH2). Identifiers: MedGen C5830421, MONDO:0958186, OMIM 620320.
Alport syndrome 3b, autosomal recessive. Identifiers: MedGen C5882699, MONDO:0957811, OMIM 620536.

gnomAD v4.1: 44 of 1,613,986 alleles (0.0027%); highest among the groups gnomAD compares: Non-Finnish European, 0.0031%; 1 homozygote.

Submissions (3):

Fulgent Genetics
Classification: Uncertain significance for Autosomal dominant Alport syndrome; Hematuria, benign familial, 2; Alport syndrome 3b, autosomal recessive. Last evaluated: 2024-06-19. Review status: criteria provided, single submitter. Criteria: ACMG Guidelines, 2015. Collection method: clinical testing. Allele origin: germline.

GeneDx
Classification: Uncertain significance. Last evaluated: 2023-10-20. Review status: criteria provided, single submitter. Criteria: GeneDx Variant Classification Process June 2021. Collection method: clinical testing. Allele origin: germline. Affected: yes.
Comment: Not observed at significant frequency in large population cohorts (gnomAD); In silico analysis supports that this missense variant does not alter protein structure/function; Occurs in the triple helical domain at the X position in the canonical Gly-X-Y repeat; although this variant may have an effect on normal protein folding and function, missense substitution at the X position is not a common mechanism of disease; Has not been previously published as pathogenic or benign to our knowledge

Blueprint Genetics
Classification: Uncertain significance. Last evaluated: 2023-04-19. Review status: criteria provided, single submitter. Criteria: ACMG Guidelines, 2015. Collection method: clinical testing. Allele origin: germline.